The following is an entry in ClinVar:

ClinVar aggregate classification (germline): Benign/Likely benign. Review status: criteria provided, multiple submitters, no conflicts (2 of 4 stars). 5 submissions from 5 submitters: Benign (2); Likely benign (2). 1 of the submissions does not count toward it. Last evaluated 2026-02-01.

Conditions:
TRPM1-related disorder. Also called: TRPM1-related condition.

Allele frequency attached by ClinVar (database versions not stated): ESP Exome Variant Server 0.00008; gnomAD 0.00009 and 0.00021; TOPMed 0.00017; gnomAD exomes 0.00029 and 0.00050; 1000 Genomes Project 30x 0.00031; 1000 Genomes Project 0.00040; ExAC 0.00050.
gnomAD v4.1: 458 of 1,614,122 alleles (0.028%); highest among the groups gnomAD compares: South Asian, 0.33%; 3 homozygotes.

Submissions (6):

Labcorp Genetics (formerly Invitae), Labcorp
Classification: Benign. Last evaluated: 2026-02-01. Review status: criteria provided, single submitter. Criteria: Invitae Variant Classification Sherloc (09022015). Collection method: clinical testing. Allele origin: germline.

Blueprint Genetics
Classification: Likely benign. Last evaluated: 2024-11-21. Review status: criteria provided, single submitter. Criteria: ACMG Guidelines, 2015. Collection method: clinical testing. Allele origin: germline.

CeGaT Center for Human Genetics Tuebingen
Classification: Likely benign. Last evaluated: 2023-09-01. Review status: criteria provided, single submitter. Criteria: CeGaT Center For Human Genetics Tuebingen Variant Classification Criteria Version 2. Collection method: clinical testing. Allele origin: germline. Affected: yes. Observed: 1 variant allele.
Comment: TRPM1: BP4, BP7

Breakthrough Genomics
Classification: Benign. Review status: criteria provided, single submitter. Criteria: ACMG Guidelines, 2015. Collection method: not provided. Allele origin: germline. Inheritance: Unknown mechanism. Affected: yes.

PreventionGenetics, part of Exact Sciences
Classification: Likely benign for TRPM1-related condition. Last evaluated: 2024-09-24. Review status: no assertion criteria provided. Collection method: clinical testing. Allele origin: germline. Not counted in ClinVar's aggregate classification.
Comment: This variant is classified as likely benign based on ACMG/AMP sequence variant interpretation guidelines (Richards et al. 2015 PMID: 25741868, with internal and published modifications).

Dr. Peter K. Rogan Lab, Western University
No classification provided (evidence only). Condition: Clear cell carcinoma of kidney. Review status: no classification provided. Collection method: in vitro. Allele origin: not applicable. Functional consequence: retained intron. Not counted in ClinVar's aggregate classification.

NM_001252024.2(TRPM1):c.258C>T (p.Gly86=)

Gene: TRPM1 (transient receptor potential cation channel subfamily M member 1; minus strand). Cytogenetic location: 15q13.3.
Variant type: single nucleotide variant.
Coding change: c.258C>T on transcript NM_001252024.2 (MANE Select); coding-DNA position 258, C replaced by T.
Protein change: p.Gly86=; no amino-acid change (glycine 86 retained).
Molecular consequence: synonymous variant.
Genome position (GRCh38, 1-based): chr15:31,070,052, G>A on the plus strand (C>T on the coding strand, the complement: TRPM1 is on the minus strand). VCF-style: chr15-31070052-G-A. GRCh37 (hg19) VCF-style: chr15-31362255-G-A.
Other names: c.192C>T, p.Gly64= (NM_001252030.2, NM_002420.6); c.309C>T (NM_001252020.1); c.309C>T, p.Gly103= (NM_001252020.2).
Identifiers: ClinVar variation 1169922 (VCV001169922.36), dbSNP rs201162331, ClinGen allele CA7453048.